The following is an entry in ClinVar:

ClinVar aggregate classification (germline): Uncertain significance (1 of 4 stars; one submission).

Conditions:
Autosomal recessive spinocerebellar ataxia 12. Also called: SPINOCEREBELLAR ATAXIA WITH MENTAL RETARDATION AND EPILEPSY. Identifiers: Orphanet 284282, MedGen C3280452, MONDO:0013687, OMIM 614322.
Developmental and epileptic encephalopathy, 1 (DEE1). Also called: X-linked infantile spasms; West's syndrome; Tonic spasms with clustering, arrest of psychomotor development and hypsarrhythmia on EEG; X-Linked Infantile Spasm Syndrome; OHTAHARA SYNDROME, X-LINKED; INFANTILE SPASM SYNDROME, X-LINKED 1. Identifiers: MedGen C3463992, MONDO:0010632, OMIM 308350. Disease mechanism: loss of function.

Submission:

Labcorp Genetics (formerly Invitae), Labcorp
Classification: Uncertain significance for Developmental and epileptic encephalopathy, 1; Autosomal recessive spinocerebellar ataxia 12. Last evaluated: 2019-12-03. Review status: criteria provided, single submitter. Criteria: Invitae Variant Classification Sherloc (09022015). Collection method: clinical testing. Allele origin: germline.
Comment: This variant results in a copy number gain of the genomic region encompassing exon 1 of the WWOX gene. The 5' end of this event is unknown as it extends beyond the assayed region for this gene and therefore may encompass additional genes. The 3' boundary is likely confined to intron 1 of the WWOX gene. As the precise location of this event is unknown, it may be in tandem or it may be located elsewhere in the genome. This variant has not been reported in the literature in individuals with WWOX-related disease. In summary, the available evidence is currently insufficient to determine the role of this variant in disease. Therefore, it has been classified as a Variant of Uncertain Significance.

NC_000016.9:g.(?_78133656)_(78133806_?)dup

Gene: WWOX (WW domain containing oxidoreductase; plus strand). Cytogenetic location: 16q23.1.
Variant type: Duplication.
Identifiers: ClinVar variation 583609 (VCV000583609.8).